The following is an entry in ClinVar:

NM_006118.4(HAX1):c.125dup (p.Ser43fs)

Gene: HAX1 (HCLS1 associated protein X-1; plus strand). Cytogenetic location: 1q21.3.
Variant type: Duplication.
Coding change: c.125dup on transcript NM_006118.4 (MANE Select); coding-DNA position 125, one base duplicated (G; older notation c.125dupG).
Protein change: p.Ser43fs; shifts the reading frame from serine 43.
Molecular consequence: frameshift variant. On other transcripts: intron variant (1).
Genome position (GRCh38, 1-based): chr1:154,273,407, G duplicated; the last of 5 consecutive G bases (chr1:154,273,403-154,273,407); duplicating any one gives the same sequence. VCF-style (leftmost placement, unchanged base first): chr1-154273402-A-AG. GRCh37 (hg19) VCF-style: chr1-154245878-A-AG.
Other names: c.125dupG (NM_006118.3); c.54-73dup (NM_001018837.2); short protein forms S43fs.
Identifiers: ClinVar variation 4656 (VCV000004656.34), dbSNP rs745666437, ClinGen allele CA1127259.
Genomic context (GRCh38, chr1:154,273,402, plus strand): 5'-AGATCCCTTTTTTGGAGGGATGACTCGAGATGAAGATGATGATGAGGAAGAAGAAGAAGA[A>AG]GGGGGCTCATGGGGCCGTGGGAACCCAAGGTTCCATAGTCCTCAGCACCCCCCTGAGGAA-3'

ClinVar aggregate classification (germline): Pathogenic. Review status: criteria provided, multiple submitters, no conflicts (2 of 4 stars). 6 submissions from 6 submitters: Pathogenic (4). 2 of the submissions do not count toward it. Last evaluated 2026-01-13.

Conditions:
Kostmann syndrome (SCN3). Also called: KOSTMANN DISEASE; Autosomal recessive severe congenital neutropenia type 3. Identifiers: Orphanet 99749, MedGen C5235141, MONDO:0012548, OMIM 610738.

Submissions (6):

Labcorp Genetics (formerly Invitae), Labcorp
Classification: Pathogenic for Kostmann syndrome. Last evaluated: 2026-01-13. Review status: criteria provided, single submitter. Criteria: Invitae Variant Classification Sherloc (09022015). Collection method: clinical testing. Allele origin: germline.
Comment: This sequence change creates a premature translational stop signal (p.Ser43Leufs*11) in the HAX1 gene. It is expected to result in an absent or disrupted protein product. Loss-of-function variants in HAX1 are known to be pathogenic (PMID: 17187068). This variant is present in population databases (rs745666437, gnomAD 0.04%). This premature translational stop signal has been observed in individual(s) with congenital neutropenia (PMID: 19036076, 31980526). ClinVar contains an entry for this variant (Variation ID: 4656). For these reasons, this variant has been classified as Pathogenic.

CeGaT Center for Human Genetics Tuebingen
Classification: Pathogenic. Last evaluated: 2024-07-01. Review status: criteria provided, single submitter. Criteria: CeGaT Center For Human Genetics Tuebingen Variant Classification Criteria Version 2. Collection method: clinical testing. Allele origin: germline. Affected: yes. Observed: 1 variant allele.
Comment: HAX1: PVS1, PM2, PM3

Revvity Omics, Revvity
Classification: Pathogenic for Kostmann syndrome. Last evaluated: 2024-06-06. Review status: criteria provided, single submitter. Criteria: ACMG Guidelines, 2015. Collection method: clinical testing. Allele origin: germline.

Fulgent Genetics
Classification: Pathogenic for Kostmann syndrome. Last evaluated: 2024-01-22. Review status: criteria provided, single submitter. Criteria: ACMG Guidelines, 2015. Collection method: clinical testing. Allele origin: germline.

Natera, Inc.
Classification: Pathogenic for Autosomal recessive severe congenital neutropenia type 3. Last evaluated: 2020-09-16. Review status: no assertion criteria provided. Collection method: clinical testing. Allele origin: germline. Not counted in ClinVar's aggregate classification.

OMIM
Classification: Pathogenic for NEUTROPENIA, SEVERE CONGENITAL, 3, AUTOSOMAL RECESSIVE. Last evaluated: 2009-03-01. Review status: no assertion criteria provided. Collection method: literature only. Allele origin: germline. Not counted in ClinVar's aggregate classification.

Literature cited by the submitters: PubMed 17187068 (cited by Labcorp Genetics (formerly Invitae), Labcorp); PubMed 19036076 (cited by Labcorp Genetics (formerly Invitae), Labcorp and OMIM); PubMed 31980526 (cited by Labcorp Genetics (formerly Invitae), Labcorp).